The following is an entry in ClinVar:

NM_021871.4(FGA):c.99C>T (p.Gly33=)

Gene: FGA (fibrinogen alpha chain; minus strand). Cytogenetic location: 4q31.3.
Variant type: single nucleotide variant.
Coding change: c.99C>T on transcript NM_021871.4 (MANE Select); coding-DNA position 99, C replaced by T.
Protein change: p.Gly33=; no amino-acid change (glycine 33 retained).
Molecular consequence: synonymous variant.
Genome position (GRCh38, 1-based): chr4:154,589,518, G>A on the plus strand (C>T on the coding strand, the complement: FGA is on the minus strand). VCF-style: chr4-154589518-G-A. GRCh37 (hg19) VCF-style: chr4-155510670-G-A.
Other names: NC_000004.11:g.155510670G>A; c.99C>T (NM_000508.4); c.99C>T, p.Gly33= (NM_000508.5).
Identifiers: ClinVar variation 3590356 (VCV003590356.3).

ClinVar aggregate classification (germline): Conflicting classifications of pathogenicity. Review status: criteria provided, conflicting classifications (1 of 4 stars). 2 submissions from 2 submitters: Uncertain significance (1); Likely benign (1). Last evaluated 2025-09-03.

Conditions:
Familial visceral amyloidosis, Ostertag type (AMYLD2). Also called: AMYLOIDOSIS VIII; Ostertag type amyloidosis; Familial visceral amyloidosis; AMYLOIDOSIS, HEREDITARY SYSTEMIC 2; Amyloidosis, hepatic and systemic; Hereditary Renal Amyloidosis. Identifiers: Orphanet 85450, MedGen C0268389, MONDO:0007099, OMIM 105200.
Congenital afibrinogenemia. Identifiers: Orphanet 335, Orphanet 98880, MedGen C2584774, MONDO:0008737, OMIM 202400.
Familial dysfibrinogenemia. Also called: Dysfibrinogenemia, congenital. Identifiers: Orphanet 335, Orphanet 98881, MedGen C0272350, MONDO:0014452, OMIM 616004.
FGA-related disorder. Also called: FGA-related condition; FGA-related disorders.

gnomAD v4.1: 33 of 1,613,750 alleles (0.002%); highest among the groups gnomAD compares: Non-Finnish European, 0.0025%; no homozygotes.

Submissions (3):

PreventionGenetics, part of Exact Sciences
Classification: Likely benign for FGA-related condition. Last evaluated: 2025-09-03. Review status: criteria provided, single submitter. Criteria: ACMG Guidelines, 2015. Collection method: clinical testing. Allele origin: germline.
Comment: This variant is classified as likely benign based on ACMG/AMP sequence variant interpretation guidelines (Richards et al. 2015 PMID: 25741868, with internal and published modifications).

Fulgent Genetics
Classification: Uncertain significance for Familial visceral amyloidosis, Ostertag type; Congenital afibrinogenemia; Familial dysfibrinogenemia. Last evaluated: 2024-04-17. Review status: criteria provided, single submitter. Criteria: ACMG Guidelines, 2015. Collection method: clinical testing. Allele origin: germline.

Dr. Peter K. Rogan Lab, Western University
No classification provided (evidence only). Condition: Uterine corpus endometrial carcinoma. Review status: no classification provided. Collection method: in vitro. Allele origin: not applicable. Functional consequence: retained intron. Not counted in ClinVar's aggregate classification.